The following is an entry in ClinVar:

ClinVar aggregate classification (germline): Pathogenic. Review status: criteria provided, multiple submitters, no conflicts (2 of 4 stars). 2 submissions from 2 submitters: Pathogenic (2). Last evaluated 2023-07-14.

Conditions:
Lissencephaly due to LIS1 mutation (LIS1). Also called: PAFAH1B1-Associated Lissencephaly/Subcortical Band Heterotopia; PAFAH1B1-Related Lissencephaly/Subcortical Band Heterotopia; Isolated Lissencephaly Sequence. Identifiers: Orphanet 95232, MedGen C4749301, MONDO:0011830, OMIM 607432.

Submissions (2):

Labcorp Genetics (formerly Invitae), Labcorp
Classification: Pathogenic. Last evaluated: 2023-07-14. Review status: criteria provided, single submitter. Criteria: Invitae Variant Classification Sherloc (09022015). Collection method: clinical testing. Allele origin: germline.
Comment: This sequence change affects a donor splice site in intron 10 of the PAFAH1B1 gene. While this variant is not anticipated to result in nonsense mediated decay, it likely alters RNA splicing and results in a disrupted protein product. This variant is not present in population databases (gnomAD no frequency). For these reasons, this variant has been classified as Pathogenic. This variant disrupts a region of the PAFAH1B1 protein in which other variant(s) (p.His389Tyr) have been determined to be pathogenic (PMID: 19808989). This suggests that this is a clinically significant region of the protein, and that variants that disrupt it are likely to be disease-causing. Variants that disrupt the consensus splice site are a relatively common cause of aberrant splicing (PMID: 17576681, 9536098). Algorithms developed to predict the effect of sequence changes on RNA splicing suggest that this variant may disrupt the consensus splice site. ClinVar contains an entry for this variant (Variation ID: 159496). This variant has not been reported in the literature in individuals affected with PAFAH1B1-related conditions.

Genetic Services Laboratory, University of Chicago
Classification: Pathogenic for Lissencephaly 1. Last evaluated: 2013-02-08. Review status: criteria provided, single submitter. Criteria: ACMG Guidelines, 2007. Collection method: clinical testing. Allele origin: germline. Inheritance: Autosomal dominant inheritance. Affected: yes.

Literature cited by the submitters: PubMed 19808989 (cited by Labcorp Genetics (formerly Invitae), Labcorp); PubMed 17576681 (cited by Labcorp Genetics (formerly Invitae), Labcorp); PubMed 9536098 (cited by Labcorp Genetics (formerly Invitae), Labcorp).

NM_000430.4(PAFAH1B1):c.1159+2T>A

Gene: PAFAH1B1 (platelet activating factor acetylhydrolase 1b regulatory subunit 1; plus strand). Cytogenetic location: 17p13.3.
Variant type: single nucleotide variant.
Coding change: c.1159+2T>A on transcript NM_000430.4 (MANE Select); the canonical splice donor site of the intron after coding-DNA position 1159, T replaced by A.
Molecular consequence: splice donor variant.
Genome position (GRCh38, 1-based): chr17:2,680,322, T>A. VCF-style: chr17-2680322-T-A. GRCh37 (hg19) VCF-style: chr17-2583616-T-A.
Identifiers: ClinVar variation 159496 (VCV000159496.13), dbSNP rs587784243, ClinGen allele CA272369.